The following is an entry in ClinVar:

NM_004036.5(ADCY3):c.3348CTT[2] (p.Phe1118del)

Genes: ADCY3 (adenylate cyclase 3; minus strand), CENPO (centromere protein O; plus strand). Cytogenetic location: 2p23.3.
Variant type: Microsatellite.
Coding change: c.3348CTT[2] on transcript NM_004036.5 (MANE Select); two copies in a row of the 3-base unit CTT starting at c.3348; the reference has three copies in a row; one copy, 3 bases deleted.
Protein change: p.Phe1118del; deletes phenylalanine 1118.
Molecular consequence: inframe deletion. On other transcripts: 3 prime UTR variant (4), non-coding transcript variant (3).
Genome position (GRCh38, 1-based): chr2:24,820,011-24,820,013, AAG deleted on the plus strand (CTT on the coding strand, the reverse complement: ADCY3 is on the minus strand); deleting any 3 consecutive bases within chr2:24,820,011-24,820,019 gives the same sequence; the position shown is the placement nearest the transcript's 3' end. VCF-style (leftmost placement, unchanged base first): chr2-24820010-CAAG-C. GRCh37 (hg19) VCF-style: chr2-25042879-CAAG-C.
Other names: c.3351CTT[2], p.Phe1119del (NM_001320613.2); c.3414CTT[2], p.Phe1140del (NM_001377128.1); c.3210CTT[2], p.Phe1072del (NM_001377129.1); c.*89CTT[2] (NM_001377130.1); c.2625CTT[2], p.Phe877del (NM_001377131.1); c.3348CTT[2], p.Phe1118del (NM_001377132.1); c.*693AAG[2] (NM_001199803.3, NM_001322101.2, NM_024322.4); c.3357_3359delCTT (NM_001320613.1); short protein forms F1118del, F1119del, F1072del, F1140del, F877del.
Identifiers: ClinVar variation 495047 (VCV000495047.3), dbSNP rs750852737, ClinGen allele CA1553416.

ClinVar aggregate classification (germline): Uncertain significance; risk factor. Review status: no assertion criteria provided (0 of 4 stars). 2 submissions from 2 submitters: Uncertain significance (1). Last evaluated 2023-12-30.

Conditions:
ADCY3-related disorder. Also called: ADCY3-related condition.
BODY MASS INDEX QUANTITATIVE TRAIT LOCUS 19 (BMIQ19). Also called: OBESITY (BMIQ19), SUSCEPTIBILITY TO. Identifiers: MedGen C4693522, OMIM 617885.

Submissions (2):

PreventionGenetics, part of Exact Sciences
Classification: Uncertain significance for ADCY3-related condition. Last evaluated: 2023-12-30. Review status: no assertion criteria provided. Collection method: clinical testing. Allele origin: germline.
Comment: The ADCY3 c.3357_3359delCTT variant is predicted to result in an in-frame deletion (p.Phe1119del). This variant, also known as c.3354_3356del, has been reported in the compound heterozygous state in a patient with severe obesity and was associated with decreased catalytic activity in functional assays (see family 4 in Saeed et al. 2018. PubMed ID: 29311637). This variant is reported in 0.0062% of alleles in individuals of African descent in gnomAD. We suspect this variant is a cause of disease when present with a pathogenic variant on the other chromosome. At this time, the clinical significance of this variant is uncertain due to the absence of conclusive functional and genetic evidence.

OMIM
Classification: risk factor for OBESITY (BMIQ19), SUSCEPTIBILITY TO. Last evaluated: 2018-03-28. Review status: no assertion criteria provided. Collection method: literature only. Allele origin: germline.

Literature cited by the submitters: PubMed 29311637 (cited by OMIM).